The following is an entry in ClinVar:

NM_001009944.3(PKD1):c.1586T>A (p.Val529Asp)

Gene: PKD1 (polycystin 1, transient receptor potential channel interacting; minus strand). Cytogenetic location: 16p13.3.
Variant type: single nucleotide variant.
Coding change: c.1586T>A on transcript NM_001009944.3 (MANE Select); coding-DNA position 1586, T replaced by A.
Protein change: p.Val529Asp; replaces valine 529 with aspartic acid.
Molecular consequence: missense variant.
Genome position (GRCh38, 1-based): chr16:2,116,853, A>T on the plus strand (T>A on the coding strand, the complement: PKD1 is on the minus strand). VCF-style: chr16-2116853-A-T. GRCh37 (hg19) VCF-style: chr16-2166854-A-T.
Other names: c.1586T>A, p.Val529Asp (NM_000296.4); short protein forms V529D.
Identifiers: ClinVar variation 3573725 (VCV003573725.2).
Genomic context (GRCh38, chr16:2,116,853, plus strand): 5'-ACAGCCAGCGTCTCAGGCCCCTGCCTGGCCCCCCGCACACCTCCGGGCTGCAGCTCGCAG[A>T]CGTAGCTGTGCGGCGCTGAGCACAGGTCGGTGTTACACCACCCGGTGGGCCCGAGCCGGA-3'
Protein context (NP_001009944.3, residues 519-539): TDLCSAPHSY[Val529Asp]CELQPGGPVQ

ClinVar aggregate classification (germline): Uncertain significance. Review status: criteria provided, multiple submitters, no conflicts (2 of 4 stars). 2 submissions from 2 submitters: Uncertain significance (2). Last evaluated 2025-09-22.

Submissions (2):

Women's Health and Genetics/Laboratory Corporation of America, LabCorp
Classification: Uncertain significance. Last evaluated: 2025-09-22. Review status: criteria provided, single submitter. Criteria: LabCorp Variant Classification Summary - May 2015. Collection method: clinical testing. Allele origin: germline.
Comment: Variant summary: PKD1 c.1586T>A (p.Val529Asp) results in a non-conservative amino acid change in the encoded protein sequence. Algorithms developed to predict the effect of missense changes on protein structure and function are either unavailable or do not agree on the potential impact of this missense change. The variant was absent in 135582 control chromosomes. The available data on variant occurrences in the general population are insufficient to allow any conclusion about variant significance. To our knowledge, no occurrence of c.1586T>A in individuals affected with PKD1-related conditions and no experimental evidence demonstrating its impact on protein function have been reported. ClinVar contains an entry for this variant (Variation ID: 3573725). Based on the evidence outlined above, the variant was classified as uncertain significance.

GeneDx
Classification: Uncertain significance. Last evaluated: 2024-07-18. Review status: criteria provided, single submitter. Criteria: GeneDx Variant Classification Process June 2021. Collection method: clinical testing. Allele origin: germline. Affected: yes.
Comment: Not observed at significant frequency in large population cohorts (gnomAD); In silico analysis supports that this missense variant has a deleterious effect on protein structure/function; Has not been previously published as pathogenic or benign to our knowledge